The following is an entry in ClinVar:

NM_001042424.3(NSD2):c.2675+3G>A

Gene: NSD2 (nuclear receptor binding SET domain protein 2; plus strand). Cytogenetic location: 4p16.3.
Variant type: single nucleotide variant.
Coding change: c.2675+3G>A on transcript NM_001042424.3 (MANE Select); 3 bases into the intron after coding-DNA position 2675, G replaced by A.
Molecular consequence: intron variant.
Genome position (GRCh38, 1-based): chr4:1,955,852, G>A. VCF-style: chr4-1955852-G-A. GRCh37 (hg19) VCF-style: chr4-1957579-G-A.
Other names: c.2675+3G>A (NM_133330.3, NM_133331.3, NM_133335.4).
Identifiers: ClinVar variation 1936531 (VCV001936531.5), dbSNP rs2474637255, ClinGen allele CA2580070719.
Genomic context (GRCh38, chr4:1,955,852, plus strand): 5'-GGGCTGGGAAGAAGCTGCACTTCCAGGATATCATTTGGGTGAAACTTGGGAACTACAGGT[G>A]TGAGACATAGAATCGTATGCTTTTATGTCTTTTCTGTTCACATGTGTTCGCTTTACAGTA-3'

ClinVar aggregate classification (germline): Uncertain significance (1 of 4 stars; one submission).

Submission:

Labcorp Genetics (formerly Invitae), Labcorp
Classification: Uncertain significance. Last evaluated: 2022-07-14. Review status: criteria provided, single submitter. Criteria: Invitae Variant Classification Sherloc (09022015). Collection method: clinical testing. Allele origin: germline.
Comment: This variant is not present in population databases (gnomAD no frequency). This sequence change falls in intron 16 of the WHSC1 gene. It does not directly change the encoded amino acid sequence of the WHSC1 protein. It affects a nucleotide within the consensus splice site. This variant has not been reported in the literature in individuals affected with WHSC1-related conditions. Variants that disrupt the consensus splice site are a relatively common cause of aberrant splicing (PMID: 17576681, 9536098). Algorithms developed to predict the effect of sequence changes on RNA splicing suggest that this variant may disrupt the consensus splice site. In summary, the available evidence is currently insufficient to determine the role of this variant in disease. Therefore, it has been classified as a Variant of Uncertain Significance.

Literature cited by the submitters: PubMed 17576681; PubMed 9536098.